The following is an entry in ClinVar:

NM_000135.4(FANCA):c.4226G>A (p.Arg1409Gln)

Genes: FANCA (FA complementation group A; minus strand), ZNF276 (zinc finger protein 276; plus strand). Cytogenetic location: 16q24.3.
Variant type: single nucleotide variant.
Coding change: c.4226G>A on transcript NM_000135.4 (MANE Select); coding-DNA position 4226, G replaced by A.
Protein change: p.Arg1409Gln; replaces arginine 1409 with glutamine.
Molecular consequence: missense variant. On other transcripts: synonymous variant (1), 3 prime UTR variant (2), non-coding transcript variant (4).
Genome position (GRCh38, 1-based): chr16:89,738,916, C>T on the plus strand (G>A on the coding strand, the complement: FANCA is on the minus strand). VCF-style: chr16-89738916-C-T. GRCh37 (hg19) VCF-style: chr16-89805324-C-T.
Other names: c.4230G>A, p.Ser1410= (NM_001286167.3); c.*670C>T (NM_001113525.2, NM_152287.4); short protein forms R1409Q.
Identifiers: ClinVar variation 134283 (VCV000134283.18), dbSNP rs370507983, ClinGen allele CA159349.

ClinVar aggregate classification (germline): Benign/Likely benign. Review status: criteria provided, multiple submitters, no conflicts (2 of 4 stars). 6 submissions from 6 submitters: Benign (1); Likely benign (4). 1 of the submissions does not count toward it. Last evaluated 2026-01-20.

Conditions:
Fanconi anemia (FA). Also called: Fanconi's anemia. Identifiers: Orphanet 84, MedGen C0015625, MeSH D005199, MONDO:0019391.

Allele frequency attached by ClinVar (database versions not stated): 1000 Genomes Project 30x 0.00125; 1000 Genomes Project 0.00160; gnomAD 0.00006 and 0.00025; TOPMed 0.00007; gnomAD exomes 0.00087; ExAC 0.00096.
gnomAD v4.1: 680 of 1,614,234 alleles (0.042%); highest among the groups gnomAD compares: South Asian, 0.7%; 10 homozygotes.

Submissions (6):

Labcorp Genetics (formerly Invitae), Labcorp
Classification: Likely benign for Fanconi anemia. Last evaluated: 2026-01-20. Review status: criteria provided, single submitter. Criteria: Invitae Variant Classification Sherloc (09022015). Collection method: clinical testing. Allele origin: germline.

Blueprint Genetics
Classification: Likely benign. Last evaluated: 2024-11-18. Review status: criteria provided, single submitter. Criteria: ACMG Guidelines, 2015. Collection method: clinical testing. Allele origin: germline.

Quest Diagnostics Nichols Institute San Juan Capistrano
Classification: Likely benign. Last evaluated: 2023-05-26. Review status: criteria provided, single submitter. Criteria: Quest Diagnostics criteria. Collection method: clinical testing. Allele origin: unknown.

Sema4
Classification: Benign for Fanconi anemia. Last evaluated: 2020-10-22. Review status: criteria provided, single submitter. Criteria: Sema4 Curation Guidelines. Collection method: curation. Allele origin: germline.

Genetic Services Laboratory, University of Chicago
Classification: Likely benign. Last evaluated: 2015-11-10. Review status: criteria provided, single submitter. Criteria: ACMG Guidelines, 2015. Collection method: clinical testing. Allele origin: germline. Affected: no.

ITMI
No classification provided. Condition: AllHighlyPenetrant. Last evaluated: 2013-09-19. Review status: no classification provided. Collection method: reference population. Allele origin: germline. Not counted in ClinVar's aggregate classification.
Comment: Please see associated publication for description of ethnicities

Literature cited by the submitters: PubMed 24728327 (cited by Quest Diagnostics Nichols Institute San Juan Capistrano and ITMI).